The following is an entry in ClinVar:

NM_003900.5(SQSTM1):c.1315C>T (p.Pro439Ser)

Gene: SQSTM1 (sequestosome 1; plus strand). Cytogenetic location: 5q35.3.
Variant type: single nucleotide variant.
Coding change: c.1315C>T on transcript NM_003900.5 (MANE Select); coding-DNA position 1315, C replaced by T.
Protein change: p.Pro439Ser; replaces proline 439 with serine.
Molecular consequence: missense variant.
Genome position (GRCh38, 1-based): chr5:179,836,585, C>T. VCF-style: chr5-179836585-C-T. GRCh37 (hg19) VCF-style: chr5-179263585-C-T.
Other names: c.1063C>T, p.Pro355Ser (NM_001142298.2, NM_001142299.2); short protein forms P355S, P439S.
Identifiers: ClinVar variation 2099798 (VCV002099798.4), dbSNP rs752910741, ClinGen allele CA362454630.
Genomic context (GRCh38, chr5:179,836,585, plus strand): 5'-ACCAAGAACTATGACATCGGAGCGGCTCTGGACACCATCCAGTATTCAAAGCATCCCCCG[C>T]CGTTGTGACCACTTTTGCCCACCTCTTCTGCGTGCCCCTCTTCTGTCTCATAGTTGTGTT-3'
Protein context (NP_003891.1, residues 429-440): DTIQYSKHPP[Pro439Ser]L

ClinVar aggregate classification (germline): Uncertain significance (1 of 4 stars; one submission).

Conditions:
Frontotemporal dementia and/or amyotrophic lateral sclerosis 1 (FTDALS1). Also called: C9orf72 Frontotemporal Dementia and/or Amyotrophic Lateral Sclerosis; Frontotemporal dementia with motor neuron disease 1. Identifiers: Orphanet 275872, MedGen C5779877, MONDO:0007105, OMIM 105550.
Paget disease of bone 2, early-onset (PDB2). Also called: Paget disease of bone 2. Identifiers: MedGen C4085251, MONDO:0011183, OMIM 602080.

Submission:

Labcorp Genetics (formerly Invitae), Labcorp
Classification: Uncertain significance for Paget disease of bone 2, early-onset; Frontotemporal dementia and/or amyotrophic lateral sclerosis 1. Last evaluated: 2024-02-16. Review status: criteria provided, single submitter. Criteria: Invitae Variant Classification Sherloc (09022015). Collection method: clinical testing. Allele origin: germline.
Comment: This sequence change replaces proline, which is neutral and non-polar, with serine, which is neutral and polar, at codon 439 of the SQSTM1 protein (p.Pro439Ser). This variant is not present in population databases (gnomAD no frequency). This variant has not been reported in the literature in individuals affected with SQSTM1-related conditions. ClinVar contains an entry for this variant (Variation ID: 2099798). Algorithms developed to predict the effect of missense changes on protein structure and function output the following: SIFT: "Not Available"; PolyPhen-2: "Benign"; Align-GVGD: "Not Available". The serine amino acid residue is found in multiple mammalian species, which suggests that this missense change does not adversely affect protein function. In summary, the available evidence is currently insufficient to determine the role of this variant in disease. Therefore, it has been classified as a Variant of Uncertain Significance.